The following is an entry in ClinVar:

ClinVar aggregate classification (germline): Uncertain significance (1 of 4 stars; one submission).

Submission:

Ambry Genetics
Classification: Uncertain significance. Last evaluated: 2025-11-30. Review status: criteria provided, single submitter. Criteria: Ambry Variant Classification Scheme 2023. Collection method: clinical testing. Allele origin: germline.
Comment: The p.G96V variant (also known as c.287G>T), located in coding exon 3 of the RAD51B gene, results from a G to T substitution at nucleotide position 287. The glycine at codon 96 is replaced by valine, an amino acid with dissimilar properties. This amino acid position is conserved. In addition, this alteration is predicted to be deleterious by in silico analysis. Based on the available evidence, the clinical significance of this variant remains unclear.

NM_133510.4(RAD51B):c.287G>T (p.Gly96Val)

Gene: RAD51B (RAD51 paralog B; plus strand). Cytogenetic location: 14q24.1.
Variant type: single nucleotide variant.
Coding change: c.287G>T on transcript NM_133510.4 (MANE Select); coding-DNA position 287, G replaced by T.
Protein change: p.Gly96Val; replaces glycine 96 with valine.
Molecular consequence: missense variant. On other transcripts: 5 prime UTR variant (1).
Genome position (GRCh38, 1-based): chr14:67,835,168, G>T. VCF-style: chr14-67835168-G-T. GRCh37 (hg19) VCF-style: chr14-68301885-G-T.
Other names: c.287G>T, p.Gly96Val (NM_001321821.2, NM_002877.6, NM_133509.5 and 6 more transcripts); c.173G>T, p.Gly58Val (NM_001321815.1); c.-169G>T (NM_001321817.2); short protein forms G58V, G96V.
Identifiers: ClinVar variation 4575330 (VCV004575330.1).